The following is an entry in ClinVar:

ClinVar aggregate classification (germline): Likely benign (1 of 4 stars; one submission).

gnomAD v4.1: 4,662 of 1,610,476 alleles (0.29%); highest among the groups gnomAD compares: Middle Eastern, 0.72%; 13 homozygotes.

Submission:

CeGaT Center for Human Genetics Tuebingen
Classification: Likely benign. Last evaluated: 2026-07-01. Review status: criteria provided, single submitter. Criteria: CeGaT Center For Human Genetics Tuebingen Variant Classification Criteria Version 2. Collection method: clinical testing. Allele origin: germline. Affected: yes. Observed: 5 variant alleles.
Comment: FKBP6: BP4, BS2

NM_003602.5(FKBP6):c.107G>A (p.Arg36Gln)

Gene: FKBP6 (FKBP prolyl isomerase family member 6 (inactive); plus strand). Cytogenetic location: 7q11.23.
Variant type: single nucleotide variant.
Coding change: c.107G>A on transcript NM_003602.5 (MANE Select); coding-DNA position 107, G replaced by A.
Protein change: p.Arg36Gln; replaces arginine 36 with glutamine.
Molecular consequence: missense variant.
Genome position (GRCh38, 1-based): chr7:73,328,624, G>A. VCF-style: chr7-73328624-G-A. GRCh37 (hg19) VCF-style: chr7-72742627-G-A.
Other names: c.92G>A, p.Arg31Gln (NM_001135211.3, NM_001362789.2); c.107G>A, p.Arg36Gln (NM_001281304.2); short protein forms R31Q, R36Q.
Identifiers: ClinVar variation 3770716 (VCV003770716.13).